The following is an entry in ClinVar:

NM_001366385.1(CARD14):c.1288C>T (p.Arg430Trp)

Gene: CARD14 (caspase recruitment domain family member 14; plus strand). Cytogenetic location: 17q25.3.
Variant type: single nucleotide variant.
Coding change: c.1288C>T on transcript NM_001366385.1 (MANE Select); coding-DNA position 1288, C replaced by T.
Protein change: p.Arg430Trp; replaces arginine 430 with tryptophan.
Molecular consequence: missense variant. On other transcripts: non-coding transcript variant (1).
Genome position (GRCh38, 1-based): chr17:80,192,551, C>T. VCF-style: chr17-80192551-C-T. GRCh37 (hg19) VCF-style: chr17-78166350-C-T.
Other names: c.1288C>T, p.Arg430Trp (NM_024110.4, NM_001257970.1); c.577C>T, p.Arg193Trp (NM_052819.3); short protein forms R430W, R193W.
Identifiers: ClinVar variation 527872 (VCV000527872.11), dbSNP rs142895605, ClinGen allele CA8816744.

ClinVar aggregate classification (germline): Uncertain significance. Review status: criteria provided, multiple submitters, no conflicts (2 of 4 stars). 2 submissions from 2 submitters: Uncertain significance (2). Last evaluated 2025-11-27.

Conditions:
Pityriasis rubra pilaris (PRP). Also called: Pityriasis rubra pilaris--familial type. Identifiers: Orphanet 2897, MedGen C0032027, MONDO:0100017, OMIM 173200, MONDO:0008251.
Psoriasis 2. Identifiers: MedGen C1864497, MONDO:0011269, OMIM 602723.

Allele frequency attached by ClinVar (database versions not stated): gnomAD exomes 0.00003 and 0.00006; ExAC 0.00007; gnomAD 0.00007; TOPMed 0.00012; ESP Exome Variant Server 0.00023.
gnomAD v4.1: 49 of 1,613,356 alleles (0.003%); highest among the groups gnomAD compares: Admixed American, 0.02%; no homozygotes.

Submissions (2):

Labcorp Genetics (formerly Invitae), Labcorp
Classification: Uncertain significance for Pityriasis rubra pilaris; Psoriasis 2. Last evaluated: 2025-11-27. Review status: criteria provided, single submitter. Criteria: Invitae Variant Classification Sherloc (09022015). Collection method: clinical testing. Allele origin: germline.
Comment: This sequence change replaces arginine, which is basic and polar, with tryptophan, which is neutral and slightly polar, at codon 430 of the CARD14 protein (p.Arg430Trp). This variant is present in population databases (rs142895605, gnomAD 0.03%). This missense change has been observed in individual(s) with acute generalized exanthematous pustulosis and polyarthritis (PMID: 28776328). ClinVar contains an entry for this variant (Variation ID: 527872). Invitae Evidence Modeling of protein sequence and biophysical properties (such as structural, functional, and spatial information, amino acid conservation, physicochemical variation, residue mobility, and thermodynamic stability) indicates that this missense variant is not expected to disrupt CARD14 protein function with a negative predictive value of 95%. In summary, the available evidence is currently insufficient to determine the role of this variant in disease. Therefore, it has been classified as a Variant of Uncertain Significance.

Blueprint Genetics
Classification: Uncertain significance. Last evaluated: 2024-09-09. Review status: criteria provided, single submitter. Criteria: ACMG Guidelines, 2015. Collection method: clinical testing. Allele origin: germline.

Literature cited by the submitters: PubMed 28776328 (cited by Labcorp Genetics (formerly Invitae), Labcorp).